The following is an entry in ClinVar:

ClinVar aggregate classification (germline): Uncertain significance (1 of 4 stars; one submission).

Conditions:
Familial thoracic aortic aneurysm and aortic dissection (TAAD). Also called: Thoracic aortic aneurysms and dissections. Identifiers: Orphanet 91387, MedGen C4707243, MONDO:0019625.

Submission:

Ambry Genetics
Classification: Uncertain significance for Familial thoracic aortic aneurysm and aortic dissection. Last evaluated: 2024-05-25. Review status: criteria provided, single submitter. Criteria: Ambry Variant Classification Scheme 2023. Collection method: clinical testing. Allele origin: germline.
Comment: The p.G48R variant (also known as c.142G>A), located in coding exon 2 of the ACTA2 gene, results from a G to A substitution at nucleotide position 142. The glycine at codon 48 is replaced by arginine, an amino acid with dissimilar properties. This amino acid position is highly conserved in available vertebrate species. In addition, this alteration is predicted to be deleterious by in silico analysis. Based on the available evidence, the clinical significance of this variant remains unclear.

NM_001613.4(ACTA2):c.142G>A (p.Gly48Arg)

Gene: ACTA2 (actin alpha 2, smooth muscle; minus strand). Cytogenetic location: 10q23.31.
Variant type: single nucleotide variant.
Coding change: c.142G>A on transcript NM_001613.4 (MANE Select); coding-DNA position 142, G replaced by A.
Protein change: p.Gly48Arg; replaces glycine 48 with arginine.
Molecular consequence: missense variant. On other transcripts: intron variant (3).
Genome position (GRCh38, 1-based): chr10:88,947,374, C>T on the plus strand (G>A on the coding strand, the complement: ACTA2 is on the minus strand). VCF-style: chr10-88947374-C-T. GRCh37 (hg19) VCF-style: chr10-90707131-C-T.
Other names: c.142G>A, p.Gly48Arg (NM_001141945.3, NM_001320855.2, NM_001406462.1 and 4 more transcripts); c.129+1428G>A (NM_001406467.1, NM_001406468.1, NM_001406469.1); short protein forms G48R.
Identifiers: ClinVar variation 3263535 (VCV003263535.1).